The following is an entry in ClinVar:

ClinVar aggregate classification (germline): Pathogenic (0 of 4 stars; one submission).

Conditions:
Alkaptonuria (AKU). Also called: Alkaptonuric ochronosis; Homogentisic acidura; Alcaptonuria; HOMOGENTISIC ACID OXIDASE DEFICIENCY. Identifiers: Orphanet 56, MedGen C0002066, MONDO:0008753, OMIM 203500.

Submission:

Department Of Human Genetics, Institute Of Clinical And Translational Research, Biomedical Research Center, Slovak Academy Of Sciences
Classification: Pathogenic for Alkaptonuria. Review status: no assertion criteria provided. Collection method: research. Allele origin: germline. Inheritance: Autosomal recessive inheritance. Affected: yes. Observed: 3 variant alleles.
Comment: The variant was originally described in AKU patient in PMID:10819641. It has been submitted to the HGD gene mutation database (DB-ID: AKU_00151).

Literature cited by the submitters: PubMed 10819641.

NM_000187.4(HGD):c.742A>G (p.Lys248Glu)

Gene: HGD (homogentisate 1,2-dioxygenase; minus strand). Cytogenetic location: 3q13.33.
Variant type: single nucleotide variant.
Coding change: c.742A>G on transcript NM_000187.4 (MANE Select); coding-DNA position 742, A replaced by G.
Protein change: p.Lys248Glu; replaces lysine 248 with glutamic acid.
Molecular consequence: missense variant.
Genome position (GRCh38, 1-based): chr3:120,644,351, T>C on the plus strand (A>G on the coding strand, the complement: HGD is on the minus strand). VCF-style: chr3-120644351-T-C. GRCh37 (hg19) VCF-style: chr3-120363198-T-C.
Other names: short protein forms K248E.
Identifiers: ClinVar variation 2627708 (VCV002627708.1), dbSNP rs2472689604, ClinGen allele CA354075064.